The following is an entry in ClinVar:

ClinVar aggregate classification (germline): Likely benign. Review status: criteria provided, multiple submitters, no conflicts (2 of 4 stars). 4 submissions from 4 submitters: Likely benign (3). 1 of the submissions does not count toward it. Last evaluated 2024-12-11.

Conditions:
Ataxia-telangiectasia syndrome (AT). Also called: Ataxia telangiectasia (A-T); LOUIS-BAR SYNDROME; Cerebello-oculocutaneous telangiectasia; Immunodeficiency with ataxia telangiectasia; Ataxia-telangiectasia, complementation group D; AT, COMPLEMENTATION GROUP C. Identifiers: Orphanet 100, MedGen C0004135, MONDO:0008840, OMIM 208900.
ATM-related disorder. Also called: ATM-related disorders; ATM-related condition.
Familial cancer of breast. Also called: Hereditary breast cancer; hereditary breast carcinoma; BREAST CANCER, FAMILIAL. Identifiers: Orphanet 227535, MedGen C0346153, MONDO:0016419, OMIM 114480. Disease mechanism: loss of function.

Submissions (4):

Women's Health and Genetics/Laboratory Corporation of America, LabCorp
Classification: Likely benign. Last evaluated: 2024-12-11. Review status: criteria provided, single submitter. Criteria: LabCorp Variant Classification Summary - May 2015. Collection method: clinical testing. Allele origin: germline.

Myriad Genetics, Inc.
Classification: Likely benign for Familial cancer of breast. Last evaluated: 2024-06-20. Review status: criteria provided, single submitter. Criteria: Myriad Autosomal Dominant, Autosomal Recessive and X-Linked Classification Criteria (2023). Collection method: clinical testing. Allele origin: unknown.
Comment: This variant is considered likely benign. This variant is intronic and is not expected to impact mRNA splicing.

Labcorp Genetics (formerly Invitae), Labcorp
Classification: Likely benign for Ataxia-telangiectasia syndrome. Last evaluated: 2024-05-09. Review status: criteria provided, single submitter. Criteria: Invitae Variant Classification Sherloc (09022015). Collection method: clinical testing. Allele origin: germline.

PreventionGenetics, part of Exact Sciences
Classification: Likely benign for ATM-related condition. Last evaluated: 2024-03-27. Review status: no assertion criteria provided. Collection method: clinical testing. Allele origin: germline. Not counted in ClinVar's aggregate classification.
Comment: This variant is classified as likely benign based on ACMG/AMP sequence variant interpretation guidelines (Richards et al. 2015 PMID: 25741868, with internal and published modifications).

NM_000051.4(ATM):c.8672-9T>C

Genes: ATM (ATM serine/threonine kinase; plus strand), C11orf65 (chromosome 11 open reading frame 65; minus strand). Cytogenetic location: 11q22.3.
Variant type: single nucleotide variant.
Coding change: c.8672-9T>C on transcript NM_000051.4 (MANE Select); 9 bases into the intron before coding-DNA position 8672, T replaced by C.
Molecular consequence: intron variant.
Genome position (GRCh38, 1-based): chr11:108,353,757, T>C. VCF-style: chr11-108353757-T-C. GRCh37 (hg19) VCF-style: chr11-108224484-T-C.
Other names: c.8672-9T>C (NM_001351834.2); c.640+32163A>G (NM_001330368.2); c.695-18465A>G (NM_001351110.2).
Identifiers: ClinVar variation 1672714 (VCV001672714.50), dbSNP rs2137283941, ClinGen allele CA2573146536.
Genomic context (GRCh38, chr11:108,353,757, plus strand): 5'-CACATTCTAACTGGAAAGAAAGTAAATTAGCTGTCAAACCTCCTAACTTCACTGTATTCT[T>C]TACTTTAGGTGTTGCTTTTGAACAGGGCAAAATCCTTCCTACTCCTGAGACAGTTCCTTT-3'